The following is an entry in ClinVar:

ClinVar aggregate classification (germline): Pathogenic (1 of 4 stars; one submission).

Conditions:
Chédiak-Higashi syndrome (CHS). Also called: Chediak-Higashi Syndrome. Identifiers: Orphanet 167, MedGen C0007965, MONDO:0008963, OMIM 214500.

Submission:

Labcorp Genetics (formerly Invitae), Labcorp
Classification: Pathogenic for Chédiak-Higashi syndrome. Last evaluated: 2024-02-20. Review status: criteria provided, single submitter. Criteria: Invitae Variant Classification Sherloc (09022015). Collection method: clinical testing. Allele origin: germline.
Comment: This sequence change creates a premature translational stop signal (p.Pro2251Serfs*17) in the LYST gene. It is expected to result in an absent or disrupted protein product. Loss-of-function variants in LYST are known to be pathogenic (PMID: 9215679, 11857544). This variant is not present in population databases (gnomAD no frequency). This variant has not been reported in the literature in individuals affected with LYST-related conditions. For these reasons, this variant has been classified as Pathogenic.

Literature cited by the submitters: PubMed 9215679; PubMed 11857544.

NM_000081.4(LYST):c.6750dup (p.Pro2251fs)

Gene: LYST (lysosomal trafficking regulator; minus strand). Cytogenetic location: 1q42.3.
Variant type: Duplication.
Coding change: c.6750dup on transcript NM_000081.4 (MANE Select); coding-DNA position 6750, one base duplicated (T; older notation c.6750dupT).
Protein change: p.Pro2251fs; shifts the reading frame from proline 2251.
Molecular consequence: frameshift variant.
Genome position (GRCh38, 1-based): chr1:235,759,103, A duplicated on the plus strand (T on the coding strand, the reverse complement: LYST is on the minus strand); the first of 4 consecutive A bases (chr1:235,759,103-235,759,106); duplicating any one gives the same sequence. VCF-style (leftmost placement, unchanged base first): chr1-235759102-G-GA. GRCh37 (hg19) VCF-style: chr1-235922402-G-GA.
Other names: c.6750dup, p.Pro2251fs (NM_001301365.1); short protein forms P2251fs.
Identifiers: ClinVar variation 3640892 (VCV003640892.2).